The following is an entry in ClinVar:

NM_213655.5(WNK1):c.3358G>T (p.Val1120Leu)

Gene: WNK1 (WNK lysine deficient protein kinase 1; plus strand). Cytogenetic location: 12p13.33.
Variant type: single nucleotide variant.
Coding change: c.3358G>T on transcript NM_213655.5 (MANE Plus Clinical); coding-DNA position 3358, G replaced by T.
Protein change: p.Val1120Leu; replaces valine 1120 with leucine.
Molecular consequence: missense variant. On other transcripts: intron variant (2).
Genome position (GRCh38, 1-based): chr12:868,829, G>T. VCF-style: chr12-868829-G-T. GRCh37 (hg19) VCF-style: chr12-977995-G-T.
Other names: c.2140-2436G>T (NM_014823.3, NM_018979.4); c.3103G>T (NM_001184985.1); c.3103G>T, p.Val1035Leu (NM_001184985.2); short protein forms V1035L, V1120L.
Identifiers: ClinVar variation 1150701 (VCV001150701.13), dbSNP rs150113638, ClinGen allele CA6382341.

ClinVar aggregate classification (germline): Likely benign. Review status: criteria provided, multiple submitters, no conflicts (2 of 4 stars). 4 submissions from 4 submitters: Likely benign (4). Last evaluated 2026-01-27.

Conditions:
Inborn genetic diseases. Identifiers: MedGen C0950123, MeSH D030342.
Neuropathy, hereditary sensory and autonomic, type 2A (HSAN2A). Also called: WNK1-Related HSAN2 (HSAN2A); HSAN IIA; ACROOSTEOLYSIS, GIACCAI TYPE; ACROOSTEOLYSIS, NEUROGENIC; MORVAN DISEASE; NEUROPATHY, CONGENITAL SENSORY. Identifiers: Orphanet 970, MedGen C2752089, MONDO:0024309, OMIM 201300.
Pseudohypoaldosteronism type 2C (PHA2C). Also called: Pseudohypoaldosteronism Type IIC. Identifiers: Orphanet 757, Orphanet 88940, MedGen C1840391, MONDO:0013778, OMIM 614492.
WNK1-related disorder. Also called: WNK1-related condition.

Allele frequency attached by ClinVar (database versions not stated): gnomAD exomes 0.00007 and 0.00028; ExAC 0.00025; 1000 Genomes Project 30x 0.00062; 1000 Genomes Project 0.00080.
gnomAD v4.1: 111 of 1,614,040 alleles (0.0069%); highest among the groups gnomAD compares: East Asian, 0.22%; no homozygotes.

Submissions (4):

Labcorp Genetics (formerly Invitae), Labcorp
Classification: Likely benign for Neuropathy, hereditary sensory and autonomic, type 2A; Pseudohypoaldosteronism type 2C. Last evaluated: 2026-01-27. Review status: criteria provided, single submitter. Criteria: Invitae Variant Classification Sherloc (09022015). Collection method: clinical testing. Allele origin: germline.

PreventionGenetics, part of Exact Sciences
Classification: Likely benign for WNK1-related condition. Last evaluated: 2025-10-14. Review status: criteria provided, single submitter. Criteria: ACMG Guidelines, 2015. Collection method: clinical testing. Allele origin: germline.
Comment: This variant is classified as likely benign based on ACMG/AMP sequence variant interpretation guidelines (Richards et al. 2015 PMID: 25741868, with internal and published modifications).

Ambry Genetics
Classification: Likely benign for Inborn genetic diseases. Last evaluated: 2021-11-18. Review status: criteria provided, single submitter. Criteria: Ambry Variant Classification Scheme 2023. Collection method: clinical testing. Allele origin: germline.

Fulgent Genetics
Classification: Likely benign for Neuropathy, hereditary sensory and autonomic, type 2A; Pseudohypoaldosteronism type 2C. Last evaluated: 2021-09-20. Review status: criteria provided, single submitter. Criteria: ACMG Guidelines, 2015. Collection method: clinical testing. Allele origin: unknown.